The following is an entry in ClinVar:

NM_032043.3(BRIP1):c.2068G>A (p.Gly690Arg)

Gene: BRIP1 (BRCA1 interacting DNA helicase 1; minus strand). Cytogenetic location: 17q23.2.
Variant type: single nucleotide variant.
Coding change: c.2068G>A on transcript NM_032043.3 (MANE Select); coding-DNA position 2068, G replaced by A.
Protein change: p.Gly690Arg; replaces glycine 690 with arginine.
Molecular consequence: missense variant.
Genome position (GRCh38, 1-based): chr17:61,776,430, C>T on the plus strand (G>A on the coding strand, the complement: BRIP1 is on the minus strand). VCF-style: chr17-61776430-C-T. GRCh37 (hg19) VCF-style: chr17-59853791-C-T.
Other names: short protein forms G690R.
Identifiers: ClinVar variation 2921547 (VCV002921547.3), dbSNP rs2145027022, ClinGen allele CA400478085.
Genomic context (GRCh38, chr17:61,776,430, plus strand): 5'-AAGGCAAAAGAAACAATAAATATTCCCTTACCTTGTAAGATGGCAAGAAACACAAAATTC[C>T]TTGGCTCACAGTCTGGCACACAGATAACAAAAGTGCTCCCACTTCATCTTGGAACTCAAA-3'
Protein context (NP_114432.2, residues 680-700): LLSVCQTVSQ[Gly690Arg]ILCFLPSYKL

ClinVar aggregate classification (germline): Uncertain significance (1 of 4 stars; one submission).

Conditions:
Fanconi anemia complementation group J. Also called: BRIP1-Related Fanconi Anemia. Identifiers: Orphanet 84, MedGen C1836860, MONDO:0012187, OMIM 609054.
Familial cancer of breast. Also called: hereditary breast carcinoma; BREAST CANCER, FAMILIAL; Hereditary breast cancer. Identifiers: Orphanet 227535, MedGen C0346153, MONDO:0016419, OMIM 114480. Disease mechanism: loss of function.

Submission:

Labcorp Genetics (formerly Invitae), Labcorp
Classification: Uncertain significance for Familial cancer of breast; Fanconi anemia complementation group J. Last evaluated: 2023-12-19. Review status: criteria provided, single submitter. Criteria: Invitae Variant Classification Sherloc (09022015). Collection method: clinical testing. Allele origin: germline.
Comment: This sequence change replaces glycine, which is neutral and non-polar, with arginine, which is basic and polar, at codon 690 of the BRIP1 protein (p.Gly690Arg). This variant is not present in population databases (gnomAD no frequency). This variant has not been reported in the literature in individuals affected with BRIP1-related conditions. Advanced modeling of protein sequence and biophysical properties (such as structural, functional, and spatial information, amino acid conservation, physicochemical variation, residue mobility, and thermodynamic stability) performed at Invitae indicates that this missense variant is expected to disrupt BRIP1 protein function with a positive predictive value of 80%. In summary, the available evidence is currently insufficient to determine the role of this variant in disease. Therefore, it has been classified as a Variant of Uncertain Significance.